The following is an entry in ClinVar:

NM_001852.4(COL9A2):c.186G>A (p.Pro62=)

Gene: COL9A2 (collagen type IX alpha 2 chain; minus strand). Cytogenetic location: 1p34.2.
Variant type: single nucleotide variant.
Coding change: c.186G>A on transcript NM_001852.4 (MANE Select); coding-DNA position 186, G replaced by A.
Protein change: p.Pro62=; no amino-acid change (proline 62 retained).
Molecular consequence: synonymous variant.
Genome position (GRCh38, 1-based): chr1:40,314,352, C>T on the plus strand (G>A on the coding strand, the complement: COL9A2 is on the minus strand). VCF-style: chr1-40314352-C-T. GRCh37 (hg19) VCF-style: chr1-40780024-C-T.
Identifiers: ClinVar variation 427128 (VCV000427128.19), dbSNP rs1085307973, ClinGen allele CA417331245.

ClinVar aggregate classification (germline): Pathogenic/Likely pathogenic. Review status: criteria provided, multiple submitters, no conflicts (2 of 4 stars). 8 submissions from 8 submitters: Pathogenic (4); Likely pathogenic (2). 2 of the submissions do not count toward it. Last evaluated 2026-03-20.

Conditions:
COL9A2-related disorder. Also called: COL9A2-related condition.
Epiphyseal dysplasia, multiple, 2 (EDM2). Also called: COL9A2-Related Multiple Epiphyseal Dysplasia. Identifiers: MedGen C1838429, MONDO:0010844, OMIM 600204.

Allele frequency attached by ClinVar (database versions not stated): gnomAD exomes below 0.00001 and 0.00001; gnomAD 0.00003.
gnomAD v4.1: 4 of 1,614,156 alleles (0.00025%); highest among the groups gnomAD compares: Admixed American, 0.0033%; no homozygotes.

Submissions (8):

Clinical Genetics Laboratory, Skane University Hospital Lund
Classification: Likely pathogenic for Epiphyseal dysplasia, multiple, 2. Last evaluated: 2026-03-20. Review status: criteria provided, single submitter. Criteria: ACMG Guidelines, 2015. Collection method: clinical testing. Allele origin: germline. Inheritance: Autosomal dominant inheritance. Affected: yes.
Comment: COL9A2 (NM_001852.4) c.186G>A p.(Pro62=) represents a nucleotide substitution in exon 3 of 32, which is synonymous and therefore does not result in an amino acid change. Functional RNA studies of the variant’s effect on splicing have shown that it leads to a loss-of-function effect on one allele and is predicted to cause in-frame skipping of exon 3 in COL9A2 (PMID: 10364514). COL9A2 c.186G>A has previously been detected at low allele frequency in the general population and is reported as predominantly pathogenic in the ClinVar database (Variation ID: 427128). COL9A2 c.186G>A has previously been observed in individuals with autosomal dominant multiple epiphyseal dysplasia and has been shown to segregate with disease in several families (PMID: 20358595, 10364514). At the same nucleotide position, c.186G>C has been reported; similar to the current variant, it causes a synonymous change (p.Pro62=) and is classified as likely pathogenic. COL9A2 c.186G>A has been classified as likely pathogenic according to the following ACMG criteria: PVS1_Moderate, PS1_Moderate, PP1_Strong, and PP4.

Labcorp Genetics (formerly Invitae), Labcorp
Classification: Pathogenic. Last evaluated: 2025-12-09. Review status: criteria provided, single submitter. Criteria: Invitae Variant Classification Sherloc (09022015). Collection method: clinical testing. Allele origin: germline.
Comment: This sequence change affects codon 62 of the COL9A2 mRNA. It is a 'silent' change, meaning that it does not change the encoded amino acid sequence of the COL9A2 protein. RNA analysis indicates that this variant induces altered splicing and likely results in a shortened protein product. This variant is present in population databases (no rsID available, gnomAD 0.006%). This variant has been observed in individuals with autosomal dominant multiple epiphyseal dysplasia (PMID: 10364514, 20358595, 21922596). ClinVar contains an entry for this variant (Variation ID: 427128). Variants that disrupt the consensus splice site are a relatively common cause of aberrant splicing (PMID: 17576681, 9536098). Studies have shown that this variant results in skipping of exon 3, but is expected to preserve the integrity of the reading-frame (PMID: 10364514). This variant disrupts the c.186G nucleotide in the COL9A2 gene. Other variant(s) that disrupt this nucleotide have been determined to be pathogenic (PMID: 12244547; internal data). This suggests that this nucleotide is clinically significant, and that variants that disrupt this position are likely to be disease-causing. For these reasons, this variant has been classified as Pathogenic.

Clinical Biomedical Laboratory, Shriners Hospital For Children - Canada
Classification: Pathogenic for Epiphyseal dysplasia, multiple, 2. Last evaluated: 2025-05-08. Review status: criteria provided, single submitter. Criteria: ACMG Guidelines, 2015. Collection method: clinical testing. Allele origin: germline. Affected: yes.
Comment: This exonic variant is not predicted to introduce an amino acid change, but affects the last exonic base pair at the exon / intron junction of COL9A2 exon 3. This variant induces altered splicing and likely results in a loss of function of the affected allele. This variant is very rare in apparently healthy adults (Genome Aggregation Database v2.1.1). The variant has been reported in the literature (PMID 21922596). Based on the ACMG variant interpretation guidelines, the available evidence supports classification of this variant as pathogenic.

Blueprint Genetics
Classification: Pathogenic for COL9A2-related disorders. Last evaluated: 2024-10-23. Review status: criteria provided, single submitter. Criteria: ACMG Guidelines, 2015. Collection method: clinical testing. Allele origin: germline. Affected: yes. Observed: 5 variant alleles.

GeneDx
Classification: Likely pathogenic. Last evaluated: 2024-04-22. Review status: criteria provided, single submitter. Criteria: GeneDx Variant Classification Process June 2021. Collection method: clinical testing. Allele origin: germline. Affected: yes.
Comment: Published functional studies demonstrate altered mRNA splicing (PMID: 10364514); Not observed at significant frequency in large population cohorts (gnomAD); This variant is associated with the following publications: (PMID: 25525159, 21922596, 31589614, 9536098, 17576681, 33726816, 20358595, 10364514)

Clinical Genetics and Genomics, Karolinska University Hospital
Classification: Pathogenic. Last evaluated: 2017-06-02. Review status: criteria provided, single submitter. Criteria: ACMG Guidelines, 2015. Collection method: clinical testing. Allele origin: germline. Affected: yes. Observed: 3 variant alleles.

PreventionGenetics, part of Exact Sciences
Classification: Pathogenic for COL9A2-related condition. Last evaluated: 2024-07-23. Review status: no assertion criteria provided. Collection method: clinical testing. Allele origin: germline. Not counted in ClinVar's aggregate classification.
Comment: The COL9A2 c.186G>A variant is not predicted to result in an amino acid change (p.=). This variant has been reported in individuals with multiple epiphyseal dysplasia (MED) (Holden et al. 1999. PubMed ID: 10364514; Nakashima et al. 2005. PubMed ID: 15633184; Jackson et al. 2010. PubMed ID: 20358595). This variant is located at the last nucleotide of exon three and patient mRNA analysis suggested that this variant leads to the skipping of exon three (Holden et al. 1999. PubMed ID: 10364514). This variant is reported in 0.0056% of alleles in individuals of Latino descent in gnomAD. A different synonymous change impacting the same nucleotide (c.186G>C) has been reported to segregate with disease in a family with MED (Fiedler et al. 2002. PubMed ID: 12244547). The c.186G>A synonymous change is interpreted as pathogenic/likely pathogenic in the ClinVar database. Taken together, this variant is interpreted as pathogenic.

OMIM
Classification: Pathogenic for EPIPHYSEAL DYSPLASIA, MULTIPLE, 2. Last evaluated: 2010-04-01. Review status: no assertion criteria provided. Collection method: literature only. Allele origin: germline. Not counted in ClinVar's aggregate classification.

Literature cited by the submitters: PubMed 10364514 (cited by Labcorp Genetics (formerly Invitae), Labcorp and OMIM); PubMed 20358595 (cited by Labcorp Genetics (formerly Invitae), Labcorp and OMIM); PubMed 21922596 (cited by Labcorp Genetics (formerly Invitae), Labcorp and Clinical Biomedical Laboratory, Shriners Hospital For Children - Canada); PubMed 17576681 (cited by Labcorp Genetics (formerly Invitae), Labcorp); PubMed 9536098 (cited by Labcorp Genetics (formerly Invitae), Labcorp); PubMed 12244547 (cited by Labcorp Genetics (formerly Invitae), Labcorp); PubMed 15633184 (cited by OMIM).